The following is an entry in ClinVar:

NM_006231.4(POLE):c.1700T>G (p.Phe567Cys)

Gene: POLE (DNA polymerase epsilon, catalytic subunit; minus strand). Cytogenetic location: 12q24.33.
Variant type: single nucleotide variant.
Coding change: c.1700T>G on transcript NM_006231.4 (MANE Select); coding-DNA position 1700, T replaced by G.
Protein change: p.Phe567Cys; replaces phenylalanine 567 with cysteine.
Molecular consequence: missense variant.
Genome position (GRCh38, 1-based): chr12:132,672,309, A>C on the plus strand (T>G on the coding strand, the complement: POLE is on the minus strand). VCF-style: chr12-132672309-A-C. GRCh37 (hg19) VCF-style: chr12-133248895-A-C.
Other names: short protein forms F567C.
Identifiers: ClinVar variation 1520644 (VCV001520644.4), dbSNP rs2135991130, ClinGen allele CA387356398.

ClinVar aggregate classification (germline): Uncertain significance (1 of 4 stars; one submission).

Submission:

Labcorp Genetics (formerly Invitae), Labcorp
Classification: Uncertain significance. Last evaluated: 2023-03-17. Review status: criteria provided, single submitter. Criteria: Invitae Variant Classification Sherloc (09022015). Collection method: clinical testing. Allele origin: germline.
Comment: ClinVar contains an entry for this variant (Variation ID: 1520644). This variant has not been reported in the literature in individuals affected with POLE-related conditions. This sequence change replaces phenylalanine, which is neutral and non-polar, with cysteine, which is neutral and slightly polar, at codon 567 of the POLE protein (p.Phe567Cys). This variant is not present in population databases (gnomAD no frequency). In summary, the available evidence is currently insufficient to determine the role of this variant in disease. Therefore, it has been classified as a Variant of Uncertain Significance. Advanced modeling of protein sequence and biophysical properties (such as structural, functional, and spatial information, amino acid conservation, physicochemical variation, residue mobility, and thermodynamic stability) performed at Invitae indicates that this missense variant is not expected to disrupt POLE protein function.